The following is an entry in ClinVar:

NM_024678.6(NARS2):c.563_564del (p.Asp187_Ser188insTer)

Gene: NARS2 (asparaginyl-tRNA synthetase 2, mitochondrial; minus strand). Cytogenetic location: 11q14.1.
Variant type: Microsatellite.
Coding change: c.563_564del on transcript NM_024678.6 (MANE Select); coding-DNA positions 563 to 564, 2 bases deleted (CT; older notation c.563_564delCT).
Protein change: p.Asp187_Ser188insTer.
Molecular consequence: nonsense. On other transcripts: 5 prime UTR variant (5), frameshift variant (1), non-coding transcript variant (4), intron variant (2).
Genome position (GRCh38, 1-based): chr11:78,559,569-78,559,570, AG deleted on the plus strand (CT on the coding strand, the reverse complement: NARS2 is on the minus strand); deleting any 2 consecutive bases within chr11:78,559,569-78,559,572 gives the same sequence; the c. name uses the placement nearest the transcript's 3' end. VCF-style (leftmost placement, unchanged base first): chr11-78559568-CAG-C. GRCh37 (hg19) VCF-style: chr11-78270614-CAG-C.
Other names: c.-121CT[1] (NM_001243251.2, NM_001425310.1, NM_001425313.1 and 1 more transcripts); c.563_564del, p.Asp187_Ser188insTer (NM_001425299.1, NM_001425300.1, NM_001425301.1 and 5 more transcripts); c.332_333del, p.Asp110_Ser111insTer (NM_001425308.1); c.7_8del, p.Leu3fs (NM_001425311.1); c.-193CT[1] (NM_001425312.1); c.513+6562_513+6563del (NM_001425303.1, NM_001425302.1); short protein forms L3fs.
Identifiers: ClinVar variation 3891808 (VCV003891808.2).

ClinVar aggregate classification (germline): Pathogenic/Likely pathogenic. Review status: criteria provided, multiple submitters, no conflicts (2 of 4 stars). 2 submissions from 2 submitters: Pathogenic (1); Likely pathogenic (1). Last evaluated 2025-09-28.

Conditions:
Combined oxidative phosphorylation defect type 24. Also called: Combined oxidative phosphorylation deficiency 24. Identifiers: Orphanet 444458, MedGen C4015643, MONDO:0014547, OMIM 616239.
Hearing loss, autosomal recessive 94. Also called: Deafness, autosomal recessive 94. Identifiers: MedGen C5193096, MONDO:0032749, OMIM 618434.

Submissions (2):

Labcorp Genetics (formerly Invitae), Labcorp
Classification: Pathogenic. Last evaluated: 2025-09-28. Review status: criteria provided, single submitter. Criteria: Invitae Variant Classification Sherloc (09022015). Collection method: clinical testing. Allele origin: germline.
Comment: This sequence change creates a premature translational stop signal (p.Ser188*) in the NARS2 gene. It is expected to result in an absent or disrupted protein product. Loss-of-function variants in NARS2 are known to be pathogenic (PMID: 25807530, 26402642). This variant is present in population databases (no rsID available, gnomAD 0.01%). This variant has not been reported in the literature in individuals affected with NARS2-related conditions. ClinVar contains an entry for this variant (Variation ID: 3891808). For these reasons, this variant has been classified as Pathogenic.

Department of Pathology and Laboratory Medicine, Sinai Health System
Classification: Likely pathogenic for Combined oxidative phosphorylation defect type 24; Hearing loss, autosomal recessive 94. Last evaluated: 2023-09-20. Review status: criteria provided, single submitter. Criteria: ACMG Guidelines, 2015. Collection method: research. Allele origin: germline.

Literature cited by the submitters: PubMed 25807530 (cited by Labcorp Genetics (formerly Invitae), Labcorp); PubMed 26402642 (cited by Labcorp Genetics (formerly Invitae), Labcorp).